The following is an entry in ClinVar:

ClinVar aggregate classification (germline): Uncertain significance. Review status: criteria provided, multiple submitters, no conflicts (2 of 4 stars). 2 submissions from 2 submitters: Uncertain significance (2). Last evaluated 2023-03-09.

Conditions:
Hyperphosphatasia with impaired intellectual development syndrome 2. Also called: Hyperphosphatasia with intellectual disability syndrome 2; GLYCOSYLPHOSPHATIDYLINOSITOL BIOSYNTHESIS DEFECT 6. Identifiers: Orphanet 247262, MedGen C3553637, MONDO:0013882, OMIM 614749.

Allele frequency attached by ClinVar (database versions not stated): gnomAD exomes below 0.00001.
gnomAD v4.1: 1 of 1,614,248 alleles (0.000062%); highest among the groups gnomAD compares: Admixed American, 0.0017%; no homozygotes.

Submissions (2):

GeneDx
Classification: Uncertain significance. Last evaluated: 2023-03-09. Review status: criteria provided, single submitter. Criteria: GeneDx Variant Classification Process June 2021. Collection method: clinical testing. Allele origin: germline. Affected: yes.
Comment: Not observed at significant frequency in large population cohorts (gnomAD); In silico analysis supports that this missense variant has a deleterious effect on protein structure/function; Has not been previously published as pathogenic or benign to our knowledge

Labcorp Genetics (formerly Invitae), Labcorp
Classification: Uncertain significance for Hyperphosphatasia with impaired intellectual development syndrome 2. Last evaluated: 2022-08-21. Review status: criteria provided, single submitter. Criteria: Invitae Variant Classification Sherloc (09022015). Collection method: clinical testing. Allele origin: germline.
Comment: In summary, the available evidence is currently insufficient to determine the role of this variant in disease. Therefore, it has been classified as a Variant of Uncertain Significance. Algorithms developed to predict the effect of missense changes on protein structure and function (SIFT, PolyPhen-2, Align-GVGD) all suggest that this variant is likely to be disruptive. This variant has not been reported in the literature in individuals affected with PIGO-related conditions. This variant is present in population databases (no rsID available, gnomAD 0.003%). This sequence change replaces glutamic acid, which is acidic and polar, with lysine, which is basic and polar, at codon 644 of the PIGO protein (p.Glu644Lys).

NM_032634.4(PIGO):c.1930G>A (p.Glu644Lys)

Gene: PIGO (phosphatidylinositol glycan anchor biosynthesis class O; minus strand). Cytogenetic location: 9p13.3.
Variant type: single nucleotide variant.
Coding change: c.1930G>A on transcript NM_032634.4 (MANE Select); coding-DNA position 1930, G replaced by A.
Protein change: p.Glu644Lys; replaces glutamic acid 644 with lysine.
Molecular consequence: missense variant. On other transcripts: intron variant (2).
Genome position (GRCh38, 1-based): chr9:35,091,957, C>T on the plus strand (G>A on the coding strand, the complement: PIGO is on the minus strand). VCF-style: chr9-35091957-C-T. GRCh37 (hg19) VCF-style: chr9-35091954-C-T.
Other names: c.1344+586G>A (NM_152850.4, NM_001201484.2); c.1930G>A (NM_032634.3); short protein forms E644K.
Identifiers: ClinVar variation 2156045 (VCV002156045.5), dbSNP rs1237579146, ClinGen allele CA373321129.